The following is an entry in ClinVar:

NM_004356.4(CD81):c.703G>C (p.Val235Leu)

Gene: CD81 (CD81 molecule; plus strand). Cytogenetic location: 11p15.5.
Variant type: single nucleotide variant.
Coding change: c.703G>C on transcript NM_004356.4 (MANE Select); coding-DNA position 703, G replaced by C.
Protein change: p.Val235Leu; replaces valine 235 with leucine.
Molecular consequence: missense variant.
Genome position (GRCh38, 1-based): chr11:2,396,858, G>C. VCF-style: chr11-2396858-G-C. GRCh37 (hg19) VCF-style: chr11-2418088-G-C.
Other names: c.490G>C, p.Val164Leu (NM_001297649.2, NM_001425129.1, NM_001425130.1 and 3 more transcripts); c.826G>C, p.Val276Leu (NM_001425135.1); c.700G>C, p.Val234Leu (NM_001425137.1); c.487G>C, p.Val163Leu (NM_001425138.1); short protein forms V163L, V164L, V234L, V235L, V276L.
Identifiers: ClinVar variation 2851446 (VCV002851446.3), dbSNP rs1218622082, ClinGen allele CA379125549.

ClinVar aggregate classification (germline): Uncertain significance (1 of 4 stars; one submission).

Submission:

Labcorp Genetics (formerly Invitae), Labcorp
Classification: Uncertain significance. Last evaluated: 2023-04-01. Review status: criteria provided, single submitter. Criteria: Invitae Variant Classification Sherloc (09022015). Collection method: clinical testing. Allele origin: germline.
Comment: This variant is not present in population databases (gnomAD no frequency). This sequence change replaces valine, which is neutral and non-polar, with leucine, which is neutral and non-polar, at codon 235 of the CD81 protein (p.Val235Leu). This variant has not been reported in the literature in individuals affected with CD81-related conditions. In summary, the available evidence is currently insufficient to determine the role of this variant in disease. Therefore, it has been classified as a Variant of Uncertain Significance. An algorithm developed to predict the effect of missense changes on protein structure and function (PolyPhen-2) suggests that this variant is likely to be disruptive.